The following is an entry in ClinVar:

ClinVar aggregate classification (germline): Pathogenic/Likely pathogenic. Review status: criteria provided, multiple submitters, no conflicts (2 of 4 stars). 5 submissions from 5 submitters: Pathogenic (2); Likely pathogenic (1). 2 of the submissions do not count toward it. Last evaluated 2026-01-03.

Conditions:
Myopathy, congenital, progressive, with scoliosis. Also called: CONGENITAL MYOPATHY 19. Identifiers: MedGen C5231417, MONDO:0032821, OMIM 618578.
Alveolar rhabdomyosarcoma (RMS2). Also called: Alveolar rhabdomyosarcoma (disease); RHABDOMYOSARCOMA 2. Identifiers: Orphanet 780, Orphanet 99756, MedGen C0206655, MONDO:0009994, OMIM 268220, HP:0006779.

Allele frequency attached by ClinVar (database versions not stated): gnomAD exomes below 0.00001; TOPMed below 0.00001.
gnomAD v4.1: 5 of 1,614,204 alleles (0.00031%); highest among the groups gnomAD compares: Non-Finnish European, 0.00025%; no homozygotes.

Submissions (5):

Department of Molecular Genetics, Istishari Arab Hospital
Classification: Pathogenic for Myopathy, congenital, progressive, with scoliosis. Last evaluated: 2026-01-03. Review status: criteria provided, single submitter. Criteria: ACMG Guidelines, 2015. Collection method: clinical testing. Allele origin: germline. Inheritance: Autosomal recessive inheritance. Affected: yes.
Comment: The PAX7 variant c.220C>T p.(Arg74*) creates a premature stop codon. This stop-gained (nonsense) variant is predicted to result in a loss or disruption of normal protein function through nonsense-mediated decay (NMD) or protein truncation. This variant is observed with very low frequency (<0.001) in the gnomAD v4.1.0 dataset. According to HGMD Professional 2022.1, this variant has previously been described as disease-causing for Myopathy, congenital, progressive, with scoliosis by Feichtinger et al., 2019 (PMID: 31092906), Hengel et al., 2020 (PMID: 32214227). In-house, this variant was identified in members from the same family affected with Progressive congenital myopathy with scoliosis. It is classified as pathogenic according to the recommendations of ACMG/AMP/ClinGen SVI guidelines.

3billion
Classification: Pathogenic for Myopathy, congenital, progressive, with scoliosis. Last evaluated: 2024-09-23. Review status: criteria provided, single submitter. Criteria: ACMG Guidelines, 2015. Collection method: clinical testing. Allele origin: germline. Affected: yes.
Comment: The variant is observed at an extremely low frequency in the gnomAD v4.0.0 dataset (total allele frequency: <0.001%). Predicted Consequence/Location: Stop-gained (nonsense): predicted to result in a loss or disruption of normal protein function through nonsense-mediated decay (NMD) or protein truncation. Multiple pathogenic variants are reported downstream of the variant. The variant has been reported at least twice as pathogenic without evidence for the classification (ClinVar ID: VCV000689508 /PMID: 31092906). Therefore, this variant is classified as Pathogenic according to the recommendation of ACMG/AMP guideline.

Hadassah Hebrew University Medical Center
Classification: Likely pathogenic for Myopathy, congenital, progressive, with scoliosis; Alveolar rhabdomyosarcoma. Last evaluated: 2019-06-20. Review status: criteria provided, single submitter. Criteria: ACMG Guidelines, 2015. Collection method: clinical testing. Allele origin: germline. Inheritance: Autosomal recessive inheritance. Affected: yes.

OMIM
Classification: Pathogenic for CONGENITAL MYOPATHY 19. Last evaluated: 2024-07-16. Review status: no assertion criteria provided. Collection method: literature only. Allele origin: germline. Not counted in ClinVar's aggregate classification.

Section for Clinical Neurogenetics, University of Tübingen
Classification: Likely pathogenic for Myopathy, congenital, progressive, with scoliosis. Last evaluated: 2019-08-01. Review status: no assertion criteria provided. Collection method: research. Allele origin: germline. Affected: yes. Not counted in ClinVar's aggregate classification.

Literature cited by the submitters: PubMed 31092906 (cited by 4 submitters); PubMed 32214227 (cited by Department of Molecular Genetics, Istishari Arab Hospital and Section for Clinical Neurogenetics, University of Tübingen).

NM_001135254.2(PAX7):c.220C>T (p.Arg74Ter)

Gene: PAX7 (paired box 7; plus strand). Cytogenetic location: 1p36.13.
Variant type: single nucleotide variant.
Coding change: c.220C>T on transcript NM_001135254.2 (MANE Select); coding-DNA position 220, C replaced by T.
Protein change: p.Arg74Ter; replaces arginine 74 with a stop codon.
Molecular consequence: nonsense.
Genome position (GRCh38, 1-based): chr1:18,634,437, C>T. VCF-style: chr1-18634437-C-T. GRCh37 (hg19) VCF-style: chr1-18960931-C-T.
Other names: p.(Arg74*); c.220C>T, p.Arg74Ter (NM_002584.3, NM_013945.3); short protein forms R74*.
Identifiers: ClinVar variation 689508 (VCV000689508.9), dbSNP rs1176071790, ClinGen allele CA338290203.